The following is an entry in ClinVar:

NM_004482.4(GALNT3):c.625C>T (p.Leu209Phe)

Gene: GALNT3 (polypeptide N-acetylgalactosaminyltransferase 3; minus strand). Cytogenetic location: 2q24.3.
Variant type: single nucleotide variant.
Coding change: c.625C>T on transcript NM_004482.4 (MANE Select); coding-DNA position 625, C replaced by T.
Protein change: p.Leu209Phe; replaces leucine 209 with phenylalanine.
Molecular consequence: missense variant.
Genome position (GRCh38, 1-based): chr2:165,764,947, G>A on the plus strand (C>T on the coding strand, the complement: GALNT3 is on the minus strand). VCF-style: chr2-165764947-G-A. GRCh37 (hg19) VCF-style: chr2-166621457-G-A.
Other names: short protein forms L209F.
Identifiers: ClinVar variation 2098239 (VCV002098239.4), dbSNP rs1688611757, ClinGen allele CA349041610.

ClinVar aggregate classification (germline): Uncertain significance (1 of 4 stars; one submission).

Allele frequency attached by ClinVar (database versions not stated): TOPMed below 0.00001.

Submission:

Labcorp Genetics (formerly Invitae), Labcorp
Classification: Uncertain significance. Last evaluated: 2025-01-27. Review status: criteria provided, single submitter. Criteria: Invitae Variant Classification Sherloc (09022015). Collection method: clinical testing. Allele origin: germline.
Comment: This sequence change replaces leucine, which is neutral and non-polar, with phenylalanine, which is neutral and non-polar, at codon 209 of the GALNT3 protein (p.Leu209Phe). This variant is not present in population databases (gnomAD no frequency). This variant has not been reported in the literature in individuals affected with GALNT3-related conditions. ClinVar contains an entry for this variant (Variation ID: 2098239). Invitae Evidence Modeling of protein sequence and biophysical properties (such as structural, functional, and spatial information, amino acid conservation, physicochemical variation, residue mobility, and thermodynamic stability) indicates that this missense variant is not expected to disrupt GALNT3 protein function with a negative predictive value of 80%. In summary, the available evidence is currently insufficient to determine the role of this variant in disease. Therefore, it has been classified as a Variant of Uncertain Significance.